The following is an entry in ClinVar:

ClinVar aggregate classification (germline): Conflicting classifications of pathogenicity. Review status: criteria provided, conflicting classifications (1 of 4 stars). 7 submissions from 6 submitters: Uncertain significance (2); Benign (2); Likely benign (2). 1 of the submissions does not count toward it. Last evaluated 2026-08-19.

Conditions:
Hereditary pulmonary alveolar proteinosis. Also called: Pulmonary surfactant metabolism dysfunction. Identifiers: Orphanet 264675, MedGen C3711368, MONDO:0012580.
Surfactant metabolism dysfunction, pulmonary, 2 (SMDP2). Also called: DESQUAMATIVE INTERSTITIAL PNEUMONITIS DUE TO SURFACTANT PROTEIN C DEFICIENCY; INTERSTITIAL LUNG DISEASE DUE TO SURFACTANT PROTEIN C DEFICIENCY; PULMONARY ALVEOLAR PROTEINOSIS, CONGENITAL, 2. Identifiers: Orphanet 440392, MedGen C1970470, MONDO:0024465, OMIM 610913.
Pulmonary fibrosis. Identifiers: MedGen C0034069, MONDO:0002771, HP:0002206.
Interstitial lung disease 2 (ILD2). Also called: FIBROCYSTIC PULMONARY DYSPLASIA; FIBROSING ALVEOLITIS, CRYPTOGENIC; Familial idiopathic pulmonary fibrosis. Identifiers: Orphanet 2032, Orphanet 79126, MedGen C5561926, MONDO:0800497, OMIM 178500, MONDO:0800029.

Allele frequency attached by ClinVar (database versions not stated): gnomAD 0.00010 and 0.00012; TOPMed 0.00013; ExAC 0.00032; gnomAD exomes 0.00022 and 0.00020.
gnomAD v4.1: 317 of 1,614,122 alleles (0.02%); highest among the groups gnomAD compares: Middle Eastern, 0.082%; 1 homozygote.

Submissions (7):

Ambry Genetics
Classification: Benign for Hereditary pulmonary alveolar proteinosis. Last evaluated: 2026-08-19. Review status: criteria provided, single submitter. Criteria: Ambry Variant Classification Scheme 2023. Collection method: clinical testing. Allele origin: germline.

Clinical Genetics Laboratory, Skane University Hospital Lund
Classification: Uncertain significance for Interstitial lung disease 2. Last evaluated: 2026-01-16. Review status: criteria provided, single submitter. Criteria: ACMG Guidelines, 2015. Collection method: clinical testing. Allele origin: germline. Affected: yes.
Comment: ACMG criteria used: PP3

Labcorp Genetics (formerly Invitae), Labcorp
Classification: Uncertain significance. Last evaluated: 2025-05-12. Review status: criteria provided, single submitter. Criteria: Invitae Variant Classification Sherloc (09022015). Collection method: clinical testing. Allele origin: germline.
Comment: This sequence change replaces histidine, which is basic and polar, with arginine, which is basic and polar, at codon 59 of the SFTPC protein (p.His59Arg). This variant is present in population databases (rs201567623, gnomAD 0.03%), and has an allele count higher than expected for a pathogenic variant. This missense change has been observed in individual(s) with clinical features of SFTPC-related conditions (PMID: 25657025, 33526882). ClinVar contains an entry for this variant (Variation ID: 362554). An algorithm developed to predict the effect of missense changes on protein structure and function (PolyPhen-2) suggests that this variant is likely to be disruptive. In summary, the available evidence is currently insufficient to determine the role of this variant in disease. Therefore, it has been classified as a Variant of Uncertain Significance.

Mendelics
Classification: Benign. Last evaluated: 2022-05-04. Review status: criteria provided, single submitter. Criteria: Mendelics Assertion Criteria 2019. Collection method: clinical testing. Allele origin: germline.

Illumina Laboratory Services, Illumina
Classification: Likely benign for Idiopathic fibrosing alveolitis, chronic form. Last evaluated: 2017-04-28. Review status: criteria provided, single submitter. Criteria: ICSL Variant Classification Criteria 13 December 2019. Collection method: clinical testing. Allele origin: germline.
Comment: This variant was observed as part of a predisposition screen in an ostensibly healthy population. A literature search was performed for the gene, cDNA change, and amino acid change (where applicable). Publications were found based on this search. The evidence from the literature, in combination with allele frequency data from public databases where available, was sufficient to determine this variant is unlikely to cause disease. Therefore, this variant is classified as likely benign.

Illumina Laboratory Services, Illumina
Classification: Likely benign for Surfactant metabolism dysfunction, pulmonary, 2. Last evaluated: 2017-04-28. Review status: criteria provided, single submitter. Criteria: ICSL Variant Classification Criteria 13 December 2019. Collection method: clinical testing. Allele origin: germline.
Comment: This variant was observed as part of a predisposition screen in an ostensibly healthy population. A literature search was performed for the gene, cDNA change, and amino acid change (where applicable). No publications were found based on this search. Allele frequency data from public databases allowed determination this variant is unlikely to cause disease. Therefore, this variant is classified as likely benign.

Garcia Pulmonary Genetics Research Laboratory, Columbia University Irving Medical Center
Classification: Likely risk allele for Pulmonary fibrosis. Last evaluated: 2022-06-09. Review status: no assertion criteria provided. Collection method: research. Allele origin: germline. Affected: yes. Not counted in ClinVar's aggregate classification.

Literature cited by the submitters: PubMed 22308375 (cited by Ambry Genetics); PubMed 25657025 (cited by 3 submitters); PubMed 33526882 (cited by Ambry Genetics and Labcorp Genetics (formerly Invitae), Labcorp); PubMed 36028256 (cited by Ambry Genetics); PubMed 36670712 (cited by Ambry Genetics).

NM_001317778.2(SFTPC):c.176A>G (p.His59Arg)

Gene: SFTPC (surfactant protein C; plus strand). Cytogenetic location: 8p21.3.
Variant type: single nucleotide variant.
Coding change: c.176A>G on transcript NM_001317778.2 (MANE Select); coding-DNA position 176, A replaced by G.
Protein change: p.His59Arg; replaces histidine 59 with arginine.
Molecular consequence: missense variant. On other transcripts: intron variant (1).
Genome position (GRCh38, 1-based): chr8:22,162,707, A>G. VCF-style: chr8-22162707-A-G. GRCh37 (hg19) VCF-style: chr8-22020220-A-G.
Other names: p.His59Arg; c.176A>G, p.His59Arg (NM_001172357.2, NM_001172410.2, NM_001317780.2 and 1 more transcripts); c.43-373A>G (NM_001317779.2); short protein forms H59R.
Identifiers: ClinVar variation 362554 (VCV000362554.38), dbSNP rs201567623, ClinGen allele CA4663918.